The following is an entry in ClinVar:

NM_000545.8(HNF1A):c.493T>A (p.Trp165Arg)

Gene: HNF1A (HNF1 homeobox A; plus strand). Cytogenetic location: 12q24.31.
Variant type: single nucleotide variant.
Coding change: c.493T>A on transcript NM_000545.8 (MANE Select); coding-DNA position 493, T replaced by A.
Protein change: p.Trp165Arg; replaces tryptophan 165 with arginine.
Molecular consequence: missense variant.
Genome position (GRCh38, 1-based): chr12:120,988,999, T>A. VCF-style: chr12-120988999-T-A. GRCh37 (hg19) VCF-style: chr12-121426802-T-A.
Other names: c.493T>A, p.Trp165Arg (NM_001306179.2, NM_001406915.1); short protein forms W165R.
Identifiers: ClinVar variation 2772482 (VCV002772482.4), dbSNP rs2135832861, ClinGen allele CA386960524.

ClinVar aggregate classification (germline): Likely pathogenic. Review status: criteria provided, multiple submitters, no conflicts (2 of 4 stars). 2 submissions from 2 submitters: Likely pathogenic (2). Last evaluated 2026-01-27.

Conditions:
Maturity-onset diabetes of the young (MODY). Also called: Maturity onset diabetes mellitus in young. Identifiers: Orphanet 552, MedGen C0342276, MONDO:0018911, HP:0004904.

Submissions (2):

Women's Health and Genetics/Laboratory Corporation of America, LabCorp
Classification: Likely pathogenic for Maturity-onset diabetes of the young. Last evaluated: 2026-01-27. Review status: criteria provided, single submitter. Criteria: LabCorp Variant Classification Summary - May 2015. Collection method: clinical testing. Allele origin: germline.
Comment: Variant summary: HNF1A c.493T>A (p.Trp165Arg) results in a non-conservative amino acid change in the encoded protein sequence. Algorithms developed to predict the effect of missense changes on protein structure and function all suggest that this variant is likely to be disruptive. The variant was absent in 251296 control chromosomes. To our knowledge, no occurrence of c.493T>A in individuals affected with HNF1A-related conditions and no experimental evidence demonstrating its impact on protein function have been reported. However another variant, c.493T>C resulting in the same amino acid change (p.W165R) has been observed in several individuals with HNF1A related conditions. (PMID: 23517481, 29927023, 34789499, internal testing). ClinVar contains an entry for this variant (Variation ID: 2772482). Based on the evidence outlined above, the variant was classified as likely pathogenic.

Labcorp Genetics (formerly Invitae), Labcorp
Classification: Likely pathogenic. Last evaluated: 2023-10-28. Review status: criteria provided, single submitter. Criteria: Invitae Variant Classification Sherloc (09022015). Collection method: clinical testing. Allele origin: germline.
Comment: This sequence change replaces tryptophan, which is neutral and slightly polar, with arginine, which is basic and polar, at codon 165 of the HNF1A protein (p.Trp165Arg). This variant is not present in population databases (gnomAD no frequency). This missense change has been observed in individuals with clinical features of autosomal dominant maturity-onset diabetes of the young (PMID: 23517481, 29927023; Invitae). Advanced modeling of protein sequence and biophysical properties (such as structural, functional, and spatial information, amino acid conservation, physicochemical variation, residue mobility, and thermodynamic stability) has been performed at Invitae for this missense variant, however the output from this modeling did not meet the statistical confidence thresholds required to predict the impact of this variant on HNF1A protein function. Algorithms developed to predict the effect of sequence changes on RNA splicing suggest that this variant may disrupt the consensus splice site. In summary, the currently available evidence indicates that the variant is pathogenic, but additional data are needed to prove that conclusively. Therefore, this variant has been classified as Likely Pathogenic.

Literature cited by the submitters: PubMed 23517481 (cited by Labcorp Genetics (formerly Invitae), Labcorp); PubMed 29927023 (cited by Labcorp Genetics (formerly Invitae), Labcorp).